The following is an entry in ClinVar:

NM_006949.4(STXBP2):c.758C>A (p.Ala253Glu)

Gene: STXBP2 (syntaxin binding protein 2; plus strand). Cytogenetic location: 19p13.2.
Variant type: single nucleotide variant.
Coding change: c.758C>A on transcript NM_006949.4 (MANE Select); coding-DNA position 758, C replaced by A.
Protein change: p.Ala253Glu; replaces alanine 253 with glutamic acid.
Molecular consequence: missense variant. On other transcripts: non-coding transcript variant (1).
Genome position (GRCh38, 1-based): chr19:7,642,297, C>A. VCF-style: chr19-7642297-C-A. GRCh37 (hg19) VCF-style: chr19-7707183-C-A.
Other names: c.749C>A, p.Ala250Glu (NM_001127396.3); c.791C>A, p.Ala264Glu (NM_001272034.2); short protein forms A253E, A250E, A264E.
Identifiers: ClinVar variation 1488661 (VCV001488661.5), dbSNP rs140252723, ClinGen allele CA304907387.

ClinVar aggregate classification (germline): Uncertain significance (1 of 4 stars; one submission).

Conditions:
Familial hemophagocytic lymphohistiocytosis 5. Also called: STXBP2-Related Familial Hemophagocytic Lymphohistiocytosis (STXBP2-fHLH). Identifiers: Orphanet 540, MedGen C2751293, MONDO:0013135, OMIM 613101.

Allele frequency attached by ClinVar (database versions not stated): ESP Exome Variant Server 0.00008.
gnomAD v4.1: 4 of 1,614,032 alleles (0.00025%); highest among the groups gnomAD compares: African/African-American, 0.0053%; no homozygotes.

Submission:

Labcorp Genetics (formerly Invitae), Labcorp
Classification: Uncertain significance for Familial hemophagocytic lymphohistiocytosis 5. Last evaluated: 2021-09-01. Review status: criteria provided, single submitter. Criteria: Invitae Variant Classification Sherloc (09022015). Collection method: clinical testing. Allele origin: germline.
Comment: This sequence change replaces alanine with glutamic acid at codon 253 of the STXBP2 protein (p.Ala253Glu). The alanine residue is highly conserved and there is a moderate physicochemical difference between alanine and glutamic acid. This variant is not present in population databases (ExAC no frequency). This variant has not been reported in the literature in individuals affected with STXBP2-related conditions. Algorithms developed to predict the effect of missense changes on protein structure and function are either unavailable or do not agree on the potential impact of this missense change (SIFT: "Deleterious"; PolyPhen-2: "Probably Damaging"; Align-GVGD: "Class C0"). In summary, the available evidence is currently insufficient to determine the role of this variant in disease. Therefore, it has been classified as a Variant of Uncertain Significance.